The following is an entry in ClinVar:

NC_000017.11:g.(?_43047637)_(43099886_?)del

Genes: BRCA1 (BRCA1 DNA repair associated; minus strand), LOC126862571 (BRD4-independent group 4 enhancer GRCh37_chr17:41243136-41244335; plus strand). Cytogenetic location: 17q21.31.
Variant type: Deletion.
Identifiers: ClinVar variation 462172 (VCV000462172.3).

ClinVar aggregate classification (germline): Pathogenic (1 of 4 stars; one submission).

Conditions:
Hereditary breast ovarian cancer syndrome. Also called: Hereditary breast and ovarian cancer syndrome (HBOC); Hereditary breast and ovarian cancer syndrome; Breast and ovarian cancer; Hereditary breast and/or ovarian cancer syndrome; Hereditary breast and ovarian cancer; BRCA1- and BRCA2-Associated Hereditary Breast and Ovarian Cancer. Identifiers: Orphanet 145, MedGen C0677776, MeSH D061325, MONDO:0003582. Disease mechanism: loss of function.

Submission:

Labcorp Genetics (formerly Invitae), Labcorp
Classification: Pathogenic for Hereditary breast ovarian cancer syndrome. Last evaluated: 2018-02-26. Review status: criteria provided, single submitter. Criteria: Invitae Variant Classification Sherloc (09022015). Collection method: clinical testing. Allele origin: germline.
Comment: This variant is an out-of-frame deletion of the genomic region encompassing exons 7-22 of the BRCA1 gene. This creates a premature translational stop signal and is expected to result in an absent or disrupted protein product. This variant has not been reported in the literature in individuals with BRCA1-related disease. Loss-of-function variants in BRCA1 are known to be pathogenic (PMID: 20104584). For these reasons, this variant has been classified as Pathogenic.

Literature cited by the submitters: PubMed 20104584.